The following is an entry in ClinVar:

ClinVar aggregate classification (germline): Pathogenic (1 of 4 stars; one submission).

Conditions:
Wolfram syndrome 1 (WFS1). Identifiers: Orphanet 3463, MedGen C4551693, MONDO:0009101, OMIM 222300.

Submission:

Laboratory of Prof. Karen Avraham, Tel Aviv University
Classification: Pathogenic for Wolfram syndrome 1. Last evaluated: 2024-06-13. Review status: criteria provided, single submitter. Criteria: ACMG Guidelines, 2015. Collection method: research. Allele origin: germline. Affected: yes. Observed: 2 variant alleles.
Comment: Compound heterozygosity for 2 known likely pathogenic variants according to PMID:12754709, 28432734)

WFS1; high-tone HL

NM_006005.3:c.[1673G>A];[1549C>T]

Variant type: CompoundHeterozygote.
Identifiers: ClinVar variation 3250409 (VCV003250409.1).